The following is an entry in ClinVar:

NM_001127222.2(CACNA1A):c.1870A>G (p.Ile624Val)

Gene: CACNA1A (calcium voltage-gated channel subunit alpha1 A; minus strand). Cytogenetic location: 19p13.13.
Variant type: single nucleotide variant.
Coding change: c.1870A>G on transcript NM_001127222.2 (MANE Select); coding-DNA position 1870, A replaced by G.
Protein change: p.Ile624Val; replaces isoleucine 624 with valine.
Molecular consequence: missense variant.
Genome position (GRCh38, 1-based): chr19:13,308,163, T>C on the plus strand (A>G on the coding strand, the complement: CACNA1A is on the minus strand). VCF-style: chr19-13308163-T-C. GRCh37 (hg19) VCF-style: chr19-13418977-T-C.
Other names: c.1873A>G, p.Ile625Val (NM_000068.4, NM_001127221.2, NM_001174080.2 and 1 more transcripts); short protein forms I624V, I625V.
Identifiers: ClinVar variation 1309311 (VCV001309311.2), dbSNP rs2145004096, ClinGen allele CA404344804.
Genomic context (GRCh38, chr19:13,308,163, plus strand): 5'-TCCTGTGAAGGACTTACTGGCCGCCGAAGAGTTGCATTCCCAAAAGGGCGAAGACGACAA[T>C]GAACAGGAAAAGGAGAAACAACAGGCTGATGATGGACTTCATGGAGTTGAGGAGAGAGAC-3'
Protein context (NP_001120694.1, residues 614-634): ISLLFLLFLF[Ile624Val]VVFALLGMQL

ClinVar aggregate classification (germline): Uncertain significance (1 of 4 stars; one submission).

Submission:

GeneDx
Classification: Uncertain significance. Last evaluated: 2019-10-15. Review status: criteria provided, single submitter. Criteria: GeneDx Variant Classification Process June 2021. Collection method: clinical testing. Allele origin: germline. Affected: yes.
Comment: Not observed in large population cohorts (Lek et al., 2016); In silico analysis, which includes protein predictors and evolutionary conservation, supports that this variant does not alter protein structure/function; Has not been previously published as pathogenic or benign to our knowledge